The following is an entry in ClinVar:

NM_001267550.2(TTN):c.49532+1G>T

Genes: TTN (titin; minus strand), TTN-AS1 (TTN antisense RNA 1; plus strand). Cytogenetic location: 2q31.2.
Variant type: single nucleotide variant.
Coding change: c.49532+1G>T on transcript NM_001267550.2 (MANE Select); the canonical splice donor site of the intron after coding-DNA position 49532, G replaced by T.
Molecular consequence: splice donor variant.
Genome position (GRCh38, 1-based): chr2:178,613,750, C>A on the plus strand (G>T on the coding strand, the complement: TTN is on the minus strand). VCF-style: chr2-178613750-C-A. GRCh37 (hg19) VCF-style: chr2-179478477-C-A.
Other names: c.22337+1G>T (NM_003319.4); c.22913+1G>T (NM_133437.4); c.22712+1G>T (NM_133432.3); c.41828+1G>T (NM_133378.4); c.44609+1G>T (NM_001256850.1).
Identifiers: ClinVar variation 3223222 (VCV003223222.1), dbSNP rs2470620124, ClinGen allele CA349604140.

ClinVar aggregate classification (germline): Likely pathogenic (1 of 4 stars; one submission).

Conditions:
Cardiovascular phenotype. Identifiers: MedGen CN230736.

Submission:

Ambry Genetics
Classification: Likely pathogenic for Cardiovascular phenotype. Last evaluated: 2023-12-10. Review status: criteria provided, single submitter. Criteria: Ambry Variant Classification Scheme 2023. Collection method: clinical testing. Allele origin: germline.
Comment: The c.22337+1G>T intronic variant results from a G to T substitution one nucleotide after coding exon 90 of the TTN gene. Coding exon 90 is located in the A-band region of the N2-B isoform of the titin protein and is constitutively expressed in TTN transcripts (percent spliced in or PSI 100%). This nucleotide position is highly conserved in available vertebrate species. In silico splice site analysis predicts that this alteration will weaken the native splice donor site and may result in the creation or strengthening of a novel splice donor site. This variant is considered to be rare based on population cohorts in the Genome Aggregation Database (gnomAD). This alteration disrupts the canonical splice site and is expected to cause aberrant splicing, resulting in an abnormal protein or a transcript that is subject to nonsense-mediated mRNA decay. While loss of function variants in TTN are present in 1-3% of the general population, truncating variants (a category that includes canonical splice site variants) in the A-band are the most common cause of dilated cardiomyopathy (DCM) (Herman DS et al. N. Engl. J. Med., 2012 Feb;366:619-28; Roberts AM et al. Sci Transl Med, 2015 Jan;7:270ra6). TTN truncating variants encoded in constitutive exons (PSI >90%) have been found to be significantly associated with DCM regardless of their position in titin (Schafer S et al. Nat. Genet., 2017 01;49:46-53). Based on the majority of available evidence to date, this variant is likely to be pathogenic.